The following is an entry in ClinVar:

ClinVar aggregate classification (germline): Uncertain significance. Review status: criteria provided, multiple submitters, no conflicts (2 of 4 stars). 5 submissions from 5 submitters: Uncertain significance (5). Last evaluated 2026-01-27.

Conditions:
TWNK-related disorder. Also called: TWNK-related condition.

Allele frequency attached by ClinVar (database versions not stated): TOPMed 0.00006; ExAC 0.00007; gnomAD exomes 0.00007 and 0.00010; ESP Exome Variant Server 0.00008; gnomAD 0.00008 and 0.00009.

Submissions (5):

PreventionGenetics, part of Exact Sciences
Classification: Uncertain significance for TWNK-related condition. Last evaluated: 2026-01-27. Review status: criteria provided, single submitter. Criteria: ACMG Guidelines, 2015. Collection method: clinical testing. Allele origin: germline.
Comment: The TWNK c.1052A>G variant is predicted to result in the amino acid substitution p.Asn351Ser. To our knowledge, this variant has not been reported in the literature. This variant is reported in 0.011% of alleles in individuals of Latino descent in gnomAD. Although we suspect that this variant may be benign, at this time, the clinical significance of this variant is uncertain due to the absence of conclusive functional and genetic evidence.

Labcorp Genetics (formerly Invitae), Labcorp
Classification: Uncertain significance. Last evaluated: 2025-11-19. Review status: criteria provided, single submitter. Criteria: Invitae Variant Classification Sherloc (09022015). Collection method: clinical testing. Allele origin: germline.
Comment: This sequence change replaces asparagine, which is neutral and polar, with serine, which is neutral and polar, at codon 351 of the TWNK protein (p.Asn351Ser). This variant is present in population databases (rs370231886, gnomAD 0.01%). This missense change has been observed in individual(s) with TWNK-related conditions (PMID: 26689116). ClinVar contains an entry for this variant (Variation ID: 426103). An algorithm developed to predict the effect of missense changes on protein structure and function outputs the following: PolyPhen-2: "Benign". The serine amino acid residue is found in multiple mammalian species, which suggests that this missense change does not adversely affect protein function. In summary, the available evidence is currently insufficient to determine the role of this variant in disease. Therefore, it has been classified as a Variant of Uncertain Significance.

Mayo Clinic Laboratories, Mayo Clinic
Classification: Uncertain significance. Last evaluated: 2025-10-03. Review status: criteria provided, single submitter. Criteria: ACMG Guidelines, 2015. Collection method: clinical testing. Allele origin: germline. Observed: 1 variant allele.
Comment: BP4

CeGaT Center for Human Genetics Tuebingen
Classification: Uncertain significance. Last evaluated: 2025-10-01. Review status: criteria provided, single submitter. Criteria: CeGaT Center For Human Genetics Tuebingen Variant Classification Criteria Version 2. Collection method: clinical testing. Allele origin: germline. Affected: yes. Observed: 1 variant allele.
Comment: TWNK: PM2, PP3

GeneDx
Classification: Uncertain significance. Last evaluated: 2020-09-17. Review status: criteria provided, single submitter. Criteria: GeneDx Variant Classification Process June 2021. Collection method: clinical testing. Allele origin: germline. Affected: yes.
Comment: In silico analysis supports that this missense variant does not alter protein structure/function; Has not been previously published as pathogenic or benign to our knowledge

Literature cited by the submitters: PubMed 26689116 (cited by Labcorp Genetics (formerly Invitae), Labcorp and Mayo Clinic Laboratories, Mayo Clinic).

NM_021830.5(TWNK):c.1052A>G (p.Asn351Ser)

Gene: TWNK (twinkle mtDNA helicase; plus strand). Cytogenetic location: 10q24.31.
Variant type: single nucleotide variant.
Coding change: c.1052A>G on transcript NM_021830.5 (MANE Select); coding-DNA position 1052, A replaced by G.
Protein change: p.Asn351Ser; replaces asparagine 351 with serine.
Molecular consequence: missense variant. On other transcripts: non-coding transcript variant (4), intron variant (3).
Genome position (GRCh38, 1-based): chr10:100,989,262, A>G. VCF-style: chr10-100989262-A-G. GRCh37 (hg19) VCF-style: chr10-102749019-A-G.
Other names: p.Asn351Ser; c.1052A>G, p.Asn351Ser (NM_001163812.2); c.-119-382A>G (NM_001163814.2, NM_001163813.2); c.-57-444A>G (NM_001368275.1); short protein forms N351S.
Identifiers: ClinVar variation 426103 (VCV000426103.16), dbSNP rs370231886, ClinGen allele CA5653157.